The following is an entry in ClinVar:

NM_000179.3(MSH6):c.1909C>A (p.Leu637Ile)

Gene: MSH6 (mutS homolog 6; plus strand). Cytogenetic location: 2p16.3.
Variant type: single nucleotide variant.
Coding change: c.1909C>A on transcript NM_000179.3 (MANE Select); coding-DNA position 1909, C replaced by A.
Protein change: p.Leu637Ile; replaces leucine 637 with isoleucine.
Molecular consequence: missense variant.
Genome position (GRCh38, 1-based): chr2:47,799,892, C>A. VCF-style: chr2-47799892-C-A. GRCh37 (hg19) VCF-style: chr2-48027031-C-A.
Other names: c.1519C>A, p.Leu507Ile (NM_001281492.2); c.1003C>A, p.Leu335Ile (NM_001281493.2, NM_001281494.2, NM_001406811.1 and 6 more transcripts); c.2005C>A, p.Leu669Ile (NM_001406795.1, NM_001406802.1); c.1909C>A, p.Leu637Ile (NM_001406796.1, NM_001406798.1, NM_001406800.1 and 3 more transcripts); c.1612C>A, p.Leu538Ile (NM_001406797.1, NM_001406801.1, NM_001406805.1 and 10 more transcripts); c.1384C>A, p.Leu462Ile (NM_001406799.1, NM_001406806.1, NM_001406807.1); c.1831C>A, p.Leu611Ile (NM_001406804.1); c.1915C>A, p.Leu639Ile (NM_001406813.1); and 1 more; short protein forms L335I, L507I, L538I, L639I, L581I, L669I, L462I, L611I.
Identifiers: ClinVar variation 1782459 (VCV001782459.2), dbSNP rs1669391709, ClinGen allele CA346750171.
Genomic context (GRCh38, chr2:47,799,892, plus strand): 5'-CTTCAGGAAGGTCTGATACCCGGCTCCCAGTTTTGGGATGCATCCAAAACTTTGAGAACT[C>A]TCCTTGAGGAAGAATATTTTAGGGAAAAGCTAAGTGATGGCATTGGGGTGATGTTACCCC-3'
Protein context (NP_000170.1, residues 627-647): FWDASKTLRT[Leu637Ile]LEEEYFREKL

ClinVar aggregate classification (germline): Uncertain significance (1 of 4 stars; one submission).

Conditions:
Hereditary cancer-predisposing syndrome. Also called: Neoplastic Syndromes, Hereditary; Tumor predisposition; Hereditary Cancer Syndrome; Hereditary neoplastic syndrome. Identifiers: Orphanet 140162, MedGen C0027672, MeSH D009386, MONDO:0015356.

Submission:

Ambry Genetics
Classification: Uncertain significance for Hereditary cancer-predisposing syndrome. Last evaluated: 2019-03-26. Review status: criteria provided, single submitter. Criteria: Ambry Variant Classification Scheme 2023. Collection method: clinical testing. Allele origin: germline.
Comment: The p.L637I variant (also known as c.1909C>A), located in coding exon 4 of the MSH6 gene, results from a C to A substitution at nucleotide position 1909. The leucine at codon 637 is replaced by isoleucine, an amino acid with highly similar properties. This amino acid position is highly conserved in available vertebrate species. In addition, the in silico prediction for this alteration is inconclusive. In addition, the CoDP in silico tool predicts this alteration to have a moderate impact on molecular function, with a score of 0.648 (Terui H et al. J. Biomed. Sci. 2013 Apr;20:25). Since supporting evidence is limited at this time, the clinical significance of this alteration remains unclear.